The following is an entry in ClinVar:

ClinVar aggregate classification (germline): Uncertain significance (1 of 4 stars; one submission).

Conditions:
Hereditary cancer-predisposing syndrome. Also called: Hereditary Cancer Syndrome; Tumor predisposition; Hereditary neoplastic syndrome; Neoplastic Syndromes, Hereditary. Identifiers: Orphanet 140162, MedGen C0027672, MeSH D009386, MONDO:0015356.

Submission:

Ambry Genetics
Classification: Uncertain significance for Hereditary cancer-predisposing syndrome. Last evaluated: 2024-07-28. Review status: criteria provided, single submitter. Criteria: Ambry Variant Classification Scheme 2023. Collection method: clinical testing. Allele origin: germline.
Comment: The p.K757N variant (also known as c.2271G>C), located in coding exon 16 of the MSH3 gene, results from a G to C substitution at nucleotide position 2271. The lysine at codon 757 is replaced by asparagine, an amino acid with similar properties. This amino acid position is conserved. In addition, the in silico prediction for this alteration is inconclusive. Based on the available evidence, the clinical significance of this variant remains unclear.

NM_002439.5(MSH3):c.2271G>C (p.Lys757Asn)

Gene: MSH3 (mutS homolog 3; plus strand). Cytogenetic location: 5q14.1.
Variant type: single nucleotide variant.
Coding change: c.2271G>C on transcript NM_002439.5 (MANE Select); coding-DNA position 2271, G replaced by C.
Protein change: p.Lys757Asn; replaces lysine 757 with asparagine.
Molecular consequence: missense variant.
Genome position (GRCh38, 1-based): chr5:80,775,711, G>C. VCF-style: chr5-80775711-G-C. GRCh37 (hg19) VCF-style: chr5-80071530-G-C.
Other names: short protein forms K757N.
Identifiers: ClinVar variation 3398701 (VCV003398701.1).